The following is an entry in ClinVar:

ClinVar aggregate classification (germline): Uncertain significance (1 of 4 stars; one submission).

Conditions:
Kabuki syndrome. Also called: NIIKAWA-KUROKI SYNDROME; Kabuki make-up syndrome. Identifiers: Orphanet 2322, MedGen C0796004, MONDO:0016512.

Submission:

Labcorp Genetics (formerly Invitae), Labcorp
Classification: Uncertain significance for Kabuki syndrome. Last evaluated: 2021-04-10. Review status: criteria provided, single submitter. Criteria: Invitae Variant Classification Sherloc (09022015). Collection method: clinical testing. Allele origin: germline.
Comment: This variant has not been reported in the literature in individuals with KMT2D-related conditions. This variant, c.9825_9833del, results in the deletion of 3 amino acid(s) of the KMT2D protein (p.Gln3280_Gln3282del), but otherwise preserves the integrity of the reading frame. This variant is not present in population databases (ExAC no frequency). Experimental studies and prediction algorithms are not available or were not evaluated, and the functional significance of this variant is currently unknown. In summary, the available evidence is currently insufficient to determine the role of this variant in disease. Therefore, it has been classified as a Variant of Uncertain Significance.

NM_003482.4(KMT2D):c.9822GCA[1] (p.Gln3280_Gln3282del)

Gene: KMT2D (lysine methyltransferase 2D; minus strand). Cytogenetic location: 12q13.12.
Variant type: Microsatellite.
Coding change: c.9822GCA[1] on transcript NM_003482.4 (MANE Select); one copy of the 3-base unit GCA starting at c.9822; the reference has four copies in a row; three copies, 9 bases deleted.
Protein change: p.Gln3280_Gln3282del.
Molecular consequence: inframe deletion.
Genome position (GRCh38, 1-based): chr12:49,037,523-49,037,531, TGCTGCTGC deleted on the plus strand (GCAGCAGCA on the coding strand, the reverse complement: KMT2D is on the minus strand); deleting any 9 consecutive bases within chr12:49,037,523-49,037,536 gives the same sequence; the position shown is the placement nearest the transcript's 3' end. VCF-style (leftmost placement, unchanged base first): chr12-49037522-TTGCTGCTGC-T. GRCh37 (hg19) VCF-style: chr12-49431305-TTGCTGCTGC-T.
Identifiers: ClinVar variation 1383584 (VCV001383584.8), dbSNP rs768814728, ClinGen allele CA605233680.